The following is an entry in ClinVar:

ClinVar aggregate classification (germline): Uncertain significance (1 of 4 stars; one submission).

Conditions:
Emery-Dreifuss muscular dystrophy 5, autosomal dominant (EDMD5). Also called: EMERY-DREIFUSS MUSCULAR DYSTROPHY 5. Identifiers: Orphanet 261, MedGen C2751805, MONDO:0013072, OMIM 612999.

Allele frequency attached by ClinVar (database versions not stated): TOPMed below 0.00001; gnomAD exomes 0.00001 and 0.00002.
gnomAD v4.1: 5 of 1,611,752 alleles (0.00031%); highest among the groups gnomAD compares: Admixed American, 0.0033%; no homozygotes.

Submission:

Labcorp Genetics (formerly Invitae), Labcorp
Classification: Uncertain significance for Emery-Dreifuss muscular dystrophy 5, autosomal dominant. Last evaluated: 2019-12-12. Review status: criteria provided, single submitter. Criteria: Invitae Variant Classification Sherloc (09022015). Collection method: clinical testing. Allele origin: germline.
Comment: In summary, the available evidence is currently insufficient to determine the role of this variant in disease. Therefore, it has been classified as a Variant of Uncertain Significance. Algorithms developed to predict the effect of missense changes on protein structure and function (SIFT, PolyPhen-2, Align-GVGD) all suggest that this variant is likely to be tolerated, but these predictions have not been confirmed by published functional studies and their clinical significance is uncertain. This variant has not been reported in the literature in individuals with SYNE2-related conditions. This variant is not present in population databases (ExAC no frequency). This sequence change replaces serine with asparagine at codon 4 of the SYNE2 protein (p.Ser4Asn). The serine residue is weakly conserved and there is a small physicochemical difference between serine and asparagine.

NM_182914.3(SYNE2):c.11G>A (p.Ser4Asn)

Gene: SYNE2 (spectrin repeat containing nuclear envelope protein 2; plus strand). Cytogenetic location: 14q23.2.
Variant type: single nucleotide variant.
Coding change: c.11G>A on transcript NM_182914.3 (MANE Select); coding-DNA position 11, G replaced by A.
Protein change: p.Ser4Asn; replaces serine 4 with asparagine.
Molecular consequence: missense variant.
Genome position (GRCh38, 1-based): chr14:63,909,159, G>A. VCF-style: chr14-63909159-G-A. GRCh37 (hg19) VCF-style: chr14-64375877-G-A.
Other names: c.11G>A, p.Ser4Asn (NM_015180.6); short protein forms S4N.
Identifiers: ClinVar variation 854613 (VCV000854613.10), dbSNP rs750823503, ClinGen allele CA261787993.